The following is an entry in ClinVar:

ClinVar aggregate classification (germline): Uncertain significance (1 of 4 stars; one submission).

Conditions:
Granulomatous disease, chronic, autosomal recessive, cytochrome b-negative. Also called: GRANULOMATOUS DISEASE, CHRONIC, AUTOSOMAL RECESSIVE, 4; Chronic granulomatous disease, autosomal, due to deficiency of CYBA; CGD DUE TO DEFICIENCY OF THE ALPHA SUBUNIT OF CYTOCHROME b; CGD, AUTOSOMAL RECESSIVE CYTOCHROME b-NEGATIVE; CYBA DEFICIENCY. Identifiers: Orphanet 379, MedGen C1856255, MONDO:0009308, OMIM 233690.

Allele frequency attached by ClinVar (database versions not stated): ExAC below 0.00001; gnomAD exomes below 0.00001 and 0.00002; gnomAD 0.00001.
gnomAD v4.1: 7 of 1,526,314 alleles (0.00046%); highest among the groups gnomAD compares: Middle Eastern, 0.018%; no homozygotes.

Submission:

Labcorp Genetics (formerly Invitae), Labcorp
Classification: Uncertain significance for Granulomatous disease, chronic, autosomal recessive, cytochrome b-negative. Last evaluated: 2021-09-08. Review status: criteria provided, single submitter. Criteria: Invitae Variant Classification Sherloc (09022015). Collection method: clinical testing. Allele origin: germline.
Comment: This sequence change replaces glutamic acid with lysine at codon 193 of the CYBA protein (p.Glu193Lys). The glutamic acid residue is moderately conserved and there is a small physicochemical difference between glutamic acid and lysine. The frequency data for this variant in the population databases is considered unreliable, as metrics indicate poor data quality at this position in the ExAC database. This variant has not been reported in the literature in individuals affected with CYBA-related conditions. Algorithms developed to predict the effect of missense changes on protein structure and function are either unavailable or do not agree on the potential impact of this missense change (SIFT: "Tolerated"; PolyPhen-2: "Probably Damaging"; Align-GVGD: "Class C0"). In summary, the available evidence is currently insufficient to determine the role of this variant in disease. Therefore, it has been classified as a Variant of Uncertain Significance.

NM_000101.4(CYBA):c.577G>A (p.Glu193Lys)

Gene: CYBA (cytochrome b-245 alpha chain; minus strand). Cytogenetic location: 16q24.2.
Variant type: single nucleotide variant.
Coding change: c.577G>A on transcript NM_000101.4 (MANE Select); coding-DNA position 577, G replaced by A.
Protein change: p.Glu193Lys; replaces glutamic acid 193 with lysine.
Molecular consequence: missense variant.
Genome position (GRCh38, 1-based): chr16:88,643,364, C>T on the plus strand (G>A on the coding strand, the complement: CYBA is on the minus strand). VCF-style: chr16-88643364-C-T. GRCh37 (hg19) VCF-style: chr16-88709772-C-T.
Other names: short protein forms E193K.
Identifiers: ClinVar variation 844416 (VCV000844416.4), dbSNP rs747994433, ClinGen allele CA8228166.